The following is an entry in ClinVar:

ClinVar aggregate classification (germline): Uncertain significance (1 of 4 stars; one submission).

Conditions:
Acrocallosal syndrome (ACLS). Also called: HALLUX DUPLICATION, POSTAXIAL POLYDACTYLY, AND ABSENCE OF CORPUS CALLOSUM; Schinzel syndrome 1; Absence of corpus callosum with unusual facial appearance, mental deficiency, duplication of the halluces and polydactyly. Identifiers: Orphanet 36, MedGen C0796147, MONDO:0008708, OMIM 200990.

Allele frequency attached by ClinVar (database versions not stated): gnomAD exomes below 0.00001; ExAC 0.00001; gnomAD 0.00001; TOPMed 0.00002.
gnomAD v4.1: 3 of 1,613,818 alleles (0.00019%); highest among the groups gnomAD compares: African/African-American, 0.0027%; no homozygotes.

Submission:

Labcorp Genetics (formerly Invitae), Labcorp
Classification: Uncertain significance for Acrocallosal syndrome. Last evaluated: 2022-07-11. Review status: criteria provided, single submitter. Criteria: Invitae Variant Classification Sherloc (09022015). Collection method: clinical testing. Allele origin: germline.
Comment: This sequence change replaces glutamic acid, which is acidic and polar, with alanine, which is neutral and non-polar, at codon 588 of the KIF7 protein (p.Glu588Ala). This variant is present in population databases (rs772703638, gnomAD 0.008%). This variant has not been reported in the literature in individuals affected with KIF7-related conditions. ClinVar contains an entry for this variant (Variation ID: 1442936). Algorithms developed to predict the effect of missense changes on protein structure and function output the following: SIFT: "Tolerated"; PolyPhen-2: "Benign"; Align-GVGD: "Class C0". The alanine amino acid residue is found in multiple mammalian species, which suggests that this missense change does not adversely affect protein function. In summary, the available evidence is currently insufficient to determine the role of this variant in disease. Therefore, it has been classified as a Variant of Uncertain Significance.

NM_198525.3(KIF7):c.1763A>C (p.Glu588Ala)

Gene: KIF7 (kinesin family member 7; minus strand). Cytogenetic location: 15q26.1.
Variant type: single nucleotide variant.
Coding change: c.1763A>C on transcript NM_198525.3 (MANE Select); coding-DNA position 1763, A replaced by C.
Protein change: p.Glu588Ala; replaces glutamic acid 588 with alanine.
Molecular consequence: missense variant.
Genome position (GRCh38, 1-based): chr15:89,646,855, T>G on the plus strand (A>C on the coding strand, the complement: KIF7 is on the minus strand). VCF-style: chr15-89646855-T-G. GRCh37 (hg19) VCF-style: chr15-90190086-T-G.
Other names: short protein forms E588A.
Identifiers: ClinVar variation 1442936 (VCV001442936.6), dbSNP rs772703638, ClinGen allele CA7728468.